The following is an entry in ClinVar:

ClinVar aggregate classification (germline): Uncertain significance (1 of 4 stars; one submission).

Allele frequency attached by ClinVar (database versions not stated): TOPMed 0.00002.

Submission:

Labcorp Genetics (formerly Invitae), Labcorp
Classification: Uncertain significance. Last evaluated: 2025-09-02. Review status: criteria provided, single submitter. Criteria: Invitae Variant Classification Sherloc (09022015). Collection method: clinical testing. Allele origin: germline.
Comment: This sequence change falls in intron 6 of the POLR1A gene. It does not directly change the encoded amino acid sequence of the POLR1A protein. This variant is not present in population databases (gnomAD no frequency). This variant has not been reported in the literature in individuals affected with POLR1A-related conditions. ClinVar contains an entry for this variant (Variation ID: 1976882). Algorithms developed to predict the effect of sequence changes on RNA splicing suggest that this variant may disrupt the consensus splice site. In summary, the available evidence is currently insufficient to determine the role of this variant in disease. Therefore, it has been classified as a Variant of Uncertain Significance.

NM_015425.6(POLR1A):c.731-8G>A

Gene: POLR1A (RNA polymerase I subunit A; minus strand). Cytogenetic location: 2p11.2.
Variant type: single nucleotide variant.
Coding change: c.731-8G>A on transcript NM_015425.6 (MANE Select); 8 bases into the intron before coding-DNA position 731, G replaced by A.
Molecular consequence: intron variant.
Genome position (GRCh38, 1-based): chr2:86,083,176, C>T on the plus strand (G>A on the coding strand, the complement: POLR1A is on the minus strand). VCF-style: chr2-86083176-C-T. GRCh37 (hg19) VCF-style: chr2-86310299-C-T.
Identifiers: ClinVar variation 1976882 (VCV001976882.5), dbSNP rs1673436382, ClinGen allele CA1267064947.
Genomic context (GRCh38, chr2:86,083,176, plus strand): 5'-GGCACTGGTGGGTGTTAAGTATCCTCGTTTTCCTATCTGAGCTTCCTCAATTCCTGGAGC[C>T]AAGGAGGAGAATCAAAGTGCAATAAATCAGAAACAGGTACTCTTTCTGCAATGGGATTTA-3'